The following is an entry in ClinVar:

NM_001330078.2(NRXN1):c.3070+1G>A

Gene: NRXN1 (neurexin 1; minus strand). Cytogenetic location: 2p16.3.
Variant type: single nucleotide variant.
Coding change: c.3070+1G>A on transcript NM_001330078.2 (MANE Select); the canonical splice donor site of the intron after coding-DNA position 3070, G replaced by A.
Molecular consequence: splice donor variant.
Genome position (GRCh38, 1-based): chr2:50,495,904, C>T on the plus strand (G>A on the coding strand, the complement: NRXN1 is on the minus strand). VCF-style: chr2-50495904-C-T. GRCh37 (hg19) VCF-style: chr2-50723042-C-T.
Other names: c.2959+1G>A (NM_001330096.2, NM_001330087.2); c.3004+1G>A (NM_001330083.2, NM_001330084.2); c.2989+1G>A (NM_001330088.2); c.3067+1G>A (NM_001330093.2); c.3058+1G>A (NM_001330094.2); c.3019+1G>A (NM_001330095.2); c.3046+1G>A (NM_001330082.2, NM_001330077.2); c.3043+1G>A (NM_001330085.2); and 2 more.
Identifiers: ClinVar variation 2848929 (VCV002848929.3), dbSNP rs2468897582, ClinGen allele CA346776226.

ClinVar aggregate classification (germline): Likely pathogenic (1 of 4 stars; one submission).

Conditions:
Pitt-Hopkins-like syndrome 2 (PTHSL2). Identifiers: Orphanet 221150, Orphanet 600663, MedGen C3280479, MONDO:0013690, OMIM 614325.

Submission:

Labcorp Genetics (formerly Invitae), Labcorp
Classification: Likely pathogenic for Pitt-Hopkins-like syndrome 2. Last evaluated: 2023-03-23. Review status: criteria provided, single submitter. Criteria: Invitae Variant Classification Sherloc (09022015). Collection method: clinical testing. Allele origin: germline.
Comment: This variant has not been reported in the literature in individuals affected with NRXN1-related conditions. This sequence change affects a donor splice site in intron 16 of the NRXN1 gene. It is expected to disrupt RNA splicing. Variants that disrupt the donor or acceptor splice site typically lead to a loss of protein function (PMID: 16199547), and loss-of-function variants in NRXN1 are known to be pathogenic (PMID: 19896112, 21964664, 23495017, 23533028, 25149956, 30031152). This variant is not present in population databases (gnomAD no frequency). Algorithms developed to predict the effect of sequence changes on RNA splicing suggest that this variant may disrupt the consensus splice site. In summary, the currently available evidence indicates that the variant is pathogenic, but additional data are needed to prove that conclusively. Therefore, this variant has been classified as Likely Pathogenic.

Literature cited by the submitters: PubMed 16199547; PubMed 19896112; PubMed 21964664; PubMed 23495017; PubMed 23533028; PubMed 25149956; PubMed 30031152.